The following is an entry in ClinVar:

NM_003200.5(TCF3):c.965G>A (p.Gly322Glu)

Gene: TCF3 (transcription factor 3; minus strand). Cytogenetic location: 19p13.3.
Variant type: single nucleotide variant.
Coding change: c.965G>A on transcript NM_003200.5 (MANE Select); coding-DNA position 965, G replaced by A.
Protein change: p.Gly322Glu; replaces glycine 322 with glutamic acid.
Molecular consequence: missense variant.
Genome position (GRCh38, 1-based): chr19:1,621,182, C>T on the plus strand (G>A on the coding strand, the complement: TCF3 is on the minus strand). VCF-style: chr19-1621182-C-T. GRCh37 (hg19) VCF-style: chr19-1621181-C-T.
Other names: c.965G>A, p.Gly322Glu (NM_001136139.4, NM_001351778.2, NM_001351779.2); c.965G>A (NM_003200.3); short protein forms G322E.
Identifiers: ClinVar variation 2715789 (VCV002715789.4), dbSNP rs771593332, ClinGen allele CA9050124.

ClinVar aggregate classification (germline): Uncertain significance. Review status: criteria provided, multiple submitters, no conflicts (2 of 4 stars). 2 submissions from 2 submitters: Uncertain significance (2). Last evaluated 2025-02-08.

Conditions:
Inborn genetic diseases. Identifiers: MedGen C0950123, MeSH D030342.

Allele frequency attached by ClinVar (database versions not stated): gnomAD 0.00001; TOPMed 0.00002; ExAC 0.00006; gnomAD exomes 0.00009.
gnomAD v4.1: 51 of 1,536,452 alleles (0.0033%); highest among the groups gnomAD compares: East Asian, 0.12%; no homozygotes.

Submissions (2):

Labcorp Genetics (formerly Invitae), Labcorp
Classification: Uncertain significance. Last evaluated: 2025-02-08. Review status: criteria provided, single submitter. Criteria: Invitae Variant Classification Sherloc (09022015). Collection method: clinical testing. Allele origin: germline.
Comment: This sequence change replaces glycine, which is neutral and non-polar, with glutamic acid, which is acidic and polar, at codon 322 of the TCF3 protein (p.Gly322Glu). This variant is present in population databases (rs771593332, gnomAD 0.1%). This variant has not been reported in the literature in individuals affected with TCF3-related conditions. ClinVar contains an entry for this variant (Variation ID: 2715789). Invitae Evidence Modeling of protein sequence and biophysical properties (such as structural, functional, and spatial information, amino acid conservation, physicochemical variation, residue mobility, and thermodynamic stability) indicates that this missense variant is expected to disrupt TCF3 protein function with a positive predictive value of 80%. In summary, the available evidence is currently insufficient to determine the role of this variant in disease. Therefore, it has been classified as a Variant of Uncertain Significance.

Ambry Genetics
Classification: Uncertain significance for Inborn genetic diseases. Last evaluated: 2024-02-06. Review status: criteria provided, single submitter. Criteria: Ambry Variant Classification Scheme 2023. Collection method: clinical testing. Allele origin: germline.